The following is an entry in ClinVar:

NM_001348716.2(KDM6B):c.584C>T (p.Pro195Leu)

Gene: KDM6B (lysine demethylase 6B; plus strand). Cytogenetic location: 17p13.1.
Variant type: single nucleotide variant.
Coding change: c.584C>T on transcript NM_001348716.2 (MANE Select); coding-DNA position 584, C replaced by T.
Protein change: p.Pro195Leu; replaces proline 195 with leucine.
Molecular consequence: missense variant.
Genome position (GRCh38, 1-based): chr17:7,846,613, C>T. VCF-style: chr17-7846613-C-T. GRCh37 (hg19) VCF-style: chr17-7749931-C-T.
Other names: c.584C>T, p.Pro195Leu (NM_001080424.2); short protein forms P195L.
Identifiers: ClinVar variation 1307913 (VCV001307913.2), dbSNP rs770644165, ClinGen allele CA8360274.

ClinVar aggregate classification (germline): Uncertain significance (1 of 4 stars; one submission).

Allele frequency attached by ClinVar (database versions not stated): gnomAD exomes below 0.00001; ExAC 0.00001; gnomAD 0.00001.
gnomAD v4.1: 4 of 1,613,984 alleles (0.00025%); highest among the groups gnomAD compares: African/African-American, 0.0013%; no homozygotes.

Submission:

GeneDx
Classification: Uncertain significance. Last evaluated: 2019-08-23. Review status: criteria provided, single submitter. Criteria: GeneDx Variant Classification Process June 2021. Collection method: clinical testing. Allele origin: germline. Affected: yes.
Comment: In silico analysis, which includes protein predictors and evolutionary conservation, supports that this variant does not alter protein structure/function; Has not been previously published as pathogenic or benign to our knowledge